The following is an entry in ClinVar:

ClinVar aggregate classification (germline): Uncertain significance (1 of 4 stars; one submission).

Allele frequency attached by ClinVar (database versions not stated): ExAC 0.00001; gnomAD 0.00001 and 0.00003; gnomAD exomes 0.00001 and 0.00002; TOPMed 0.00003.
gnomAD v4.1: 12 of 1,613,968 alleles (0.00074%); highest among the groups gnomAD compares: African/African-American, 0.011%; no homozygotes.

Submission:

Labcorp Genetics (formerly Invitae), Labcorp
Classification: Uncertain significance. Last evaluated: 2024-10-25. Review status: criteria provided, single submitter. Criteria: Invitae Variant Classification Sherloc (09022015). Collection method: clinical testing. Allele origin: germline.
Comment: This sequence change replaces proline, which is neutral and non-polar, with alanine, which is neutral and non-polar, at codon 255 of the TSPAN12 protein (p.Pro255Ala). This variant is present in population databases (rs779629957, gnomAD 0.01%). This variant has not been reported in the literature in individuals affected with TSPAN12-related conditions. ClinVar contains an entry for this variant (Variation ID: 848974). An algorithm developed to predict the effect of missense changes on protein structure and function (PolyPhen-2) suggests that this variant is likely to be tolerated. In summary, the available evidence is currently insufficient to determine the role of this variant in disease. Therefore, it has been classified as a Variant of Uncertain Significance.

NM_012338.4(TSPAN12):c.763C>G (p.Pro255Ala)

Gene: TSPAN12 (tetraspanin 12; minus strand). Cytogenetic location: 7q31.31.
Variant type: single nucleotide variant.
Coding change: c.763C>G on transcript NM_012338.4 (MANE Select); coding-DNA position 763, C replaced by G.
Protein change: p.Pro255Ala; replaces proline 255 with alanine.
Molecular consequence: missense variant.
Genome position (GRCh38, 1-based): chr7:120,788,747, G>C on the plus strand (C>G on the coding strand, the complement: TSPAN12 is on the minus strand). VCF-style: chr7-120788747-G-C. GRCh37 (hg19) VCF-style: chr7-120428801-G-C.
Other names: short protein forms P255A.
Identifiers: ClinVar variation 848974 (VCV000848974.11), dbSNP rs779629957, ClinGen allele CA4453810.